The following is an entry in ClinVar:

ClinVar aggregate classification (germline): Pathogenic. Review status: criteria provided, multiple submitters, no conflicts (2 of 4 stars). 6 submissions from 6 submitters: Pathogenic (5). 1 of the submissions does not count toward it. Last evaluated 2023-06-20.

Conditions:
Kabuki syndrome. Also called: Kabuki make-up syndrome; NIIKAWA-KUROKI SYNDROME. Identifiers: Orphanet 2322, MedGen C0796004, MONDO:0016512.
Kabuki syndrome 1 (KABUK1). Also called: KMT2D-Related Kabuki Syndrome. Identifiers: Orphanet 2322, MedGen CN030661, MONDO:0007843, OMIM 147920.

Submissions (6):

Labcorp Genetics (formerly Invitae), Labcorp
Classification: Pathogenic for Kabuki syndrome. Last evaluated: 2023-06-20. Review status: criteria provided, single submitter. Criteria: Invitae Variant Classification Sherloc (09022015). Collection method: clinical testing. Allele origin: germline.
Comment: Advanced modeling of protein sequence and biophysical properties (such as structural, functional, and spatial information, amino acid conservation, physicochemical variation, residue mobility, and thermodynamic stability) performed at Invitae indicates that this missense variant is expected to disrupt KMT2D protein function. For these reasons, this variant has been classified as Pathogenic. This variant disrupts the p.Arg5214 amino acid residue in KMT2D. Other variant(s) that disrupt this residue have been determined to be pathogenic (PMID: 20711175, 30107592, 30950893). This suggests that this residue is clinically significant, and that variants that disrupt this residue are likely to be disease-causing. ClinVar contains an entry for this variant (Variation ID: 547505). This missense change has been observed in individual(s) with Kabuki syndrome (PMID: 21671394). In at least one individual the variant was observed to be de novo. This variant is not present in population databases (gnomAD no frequency). This sequence change replaces arginine, which is basic and polar, with cysteine, which is neutral and slightly polar, at codon 5214 of the KMT2D protein (p.Arg5214Cys).

Baylor Genetics
Classification: Pathogenic for Kabuki syndrome 1. Last evaluated: 2022-12-03. Review status: criteria provided, single submitter. Criteria: ACMG Guidelines, 2015. Collection method: clinical testing. Allele origin: unknown.

Center for Human Genetics, Inc
Classification: Pathogenic for Kabuki syndrome 1. Last evaluated: 2016-11-01. Review status: criteria provided, single submitter. Criteria: ACMG Guidelines, 2015. Collection method: clinical testing. Allele origin: germline. Affected: yes.

Clinical Genetics Service, Universitary Hospital 12 de Octubre
Classification: Pathogenic for Kabuki syndrome 1. Review status: criteria provided, single submitter. Criteria: ACMG Guidelines, 2015. Collection method: clinical testing. Allele origin: de novo. Affected: yes.

Wangler Lab, Baylor College of Medicine
Classification: Pathogenic for Kabuki syndrome 1. Review status: criteria provided, single submitter. Criteria: ACMG Guidelines, 2015. Collection method: clinical testing. Allele origin: de novo. Inheritance: Autosomal dominant inheritance. Affected: yes. Observed: 1 heterozygote.
Comment: This missense KMT2D variant at c.15640C>T (p.R5214C) was seen on exome through the Texome project (R01HG011795). It is predicted to be deleterious by multiple computational models (CADD: 32.000) (PP3), and the evolutionary conservation of this residue is high. Therefore, we classify this variant as pathogenic.

Autoinflammatory diseases unit, CHU de Montpellier
Classification: Pathogenic for Kabuki syndrome 1. Last evaluated: 2014-11-25. Review status: no assertion criteria provided. Collection method: clinical testing. Allele origin: de novo. Affected: yes. Not counted in ClinVar's aggregate classification.

Literature cited by the submitters: PubMed 20711175 (cited by Labcorp Genetics (formerly Invitae), Labcorp); PubMed 30107592 (cited by Labcorp Genetics (formerly Invitae), Labcorp and Wangler Lab, Baylor College of Medicine); PubMed 30950893 (cited by Labcorp Genetics (formerly Invitae), Labcorp); PubMed 21671394 (cited by Labcorp Genetics (formerly Invitae), Labcorp and Wangler Lab, Baylor College of Medicine); PubMed 23320472 (cited by Wangler Lab, Baylor College of Medicine); PubMed 27302555 (cited by Wangler Lab, Baylor College of Medicine).

NM_003482.4(KMT2D):c.15640C>T (p.Arg5214Cys)

Gene: KMT2D (lysine methyltransferase 2D; minus strand). Cytogenetic location: 12q13.12.
Variant type: single nucleotide variant.
Coding change: c.15640C>T on transcript NM_003482.4 (MANE Select); coding-DNA position 15640, C replaced by T.
Protein change: p.Arg5214Cys; replaces arginine 5214 with cysteine.
Molecular consequence: missense variant.
Genome position (GRCh38, 1-based): chr12:49,026,326, G>A on the plus strand (C>T on the coding strand, the complement: KMT2D is on the minus strand). VCF-style: chr12-49026326-G-A. GRCh37 (hg19) VCF-style: chr12-49420109-G-A.
Other names: short protein forms R5214C.
Identifiers: ClinVar variation 547505 (VCV000547505.9), dbSNP rs398123728, ClinGen allele CA384686131.